The following is an entry in ClinVar:

NM_002470.4(MYH3):c.2592C>T (p.Leu864=)

Gene: MYH3 (myosin heavy chain 3; minus strand). Cytogenetic location: 17p13.1.
Variant type: single nucleotide variant.
Coding change: c.2592C>T on transcript NM_002470.4 (MANE Select); coding-DNA position 2592, C replaced by T.
Protein change: p.Leu864=; no amino-acid change (leucine 864 retained).
Molecular consequence: synonymous variant.
Genome position (GRCh38, 1-based): chr17:10,640,086, G>A on the plus strand (C>T on the coding strand, the complement: MYH3 is on the minus strand). VCF-style: chr17-10640086-G-A. GRCh37 (hg19) VCF-style: chr17-10543403-G-A.
Identifiers: ClinVar variation 2421348 (VCV002421348.15), dbSNP rs770882128, ClinGen allele CA8392736.
Genomic context (GRCh38, chr17:10,640,086, plus strand): 5'-CTCTTGGACCAGAGTCACCAGTTTTTCCTCTAGCTCCTTCCTTTTTGCCTCCGACTTGGC[G>A]AGTTCATCTTTGGTTTTCTGGAATTCTTCCTTCATGGTGGCCATCTCTTTCTCAGTCTCT-3'
Protein context (NP_002461.2, residues 854-874): KEEFQKTKDE[Leu864=]AKSEAKRKEL

ClinVar aggregate classification (germline): Likely benign. Review status: criteria provided, multiple submitters, no conflicts (2 of 4 stars). 3 submissions from 3 submitters: Likely benign (3). Last evaluated 2025-10-07.

Allele frequency attached by ClinVar (database versions not stated): ExAC 0.00002; gnomAD exomes 0.00002; gnomAD 0.00003; TOPMed 0.00004.
gnomAD v4.1: 36 of 1,613,954 alleles (0.0022%); highest among the groups gnomAD compares: Admixed American, 0.0067%; no homozygotes.

Submissions (3):

Labcorp Genetics (formerly Invitae), Labcorp
Classification: Likely benign. Last evaluated: 2025-10-07. Review status: criteria provided, single submitter. Criteria: Invitae Variant Classification Sherloc (09022015). Collection method: clinical testing. Allele origin: germline.

CeGaT Center for Human Genetics Tuebingen
Classification: Likely benign. Last evaluated: 2025-04-01. Review status: criteria provided, single submitter. Criteria: CeGaT Center For Human Genetics Tuebingen Variant Classification Criteria Version 2. Collection method: clinical testing. Allele origin: germline. Affected: yes. Observed: 1 variant allele.
Comment: MYH3: BP4, BP7

Blueprint Genetics
Classification: Likely benign. Last evaluated: 2024-04-25. Review status: criteria provided, single submitter. Criteria: ACMG Guidelines, 2015. Collection method: clinical testing. Allele origin: germline.